The following is an entry in ClinVar:

NM_000553.6(WRN):c.4015G>A (p.Val1339Ile)

Gene: WRN (WRN RecQ like helicase; plus strand). Cytogenetic location: 8p12.
Variant type: single nucleotide variant.
Coding change: c.4015G>A on transcript NM_000553.6 (MANE Select); coding-DNA position 4015, G replaced by A.
Protein change: p.Val1339Ile; replaces valine 1339 with isoleucine.
Molecular consequence: missense variant.
Genome position (GRCh38, 1-based): chr8:31,167,054, G>A. VCF-style: chr8-31167054-G-A. GRCh37 (hg19) VCF-style: chr8-31024570-G-A.
Other names: short protein forms V1339I.
Identifiers: ClinVar variation 135440 (VCV000135440.25), dbSNP rs11574395, ClinGen allele CA162770.

ClinVar aggregate classification (germline): Benign/Likely benign. Review status: criteria provided, multiple submitters, no conflicts (2 of 4 stars). 10 submissions from 9 submitters: Benign (4); Likely benign (5). 1 of the submissions does not count toward it. Last evaluated 2026-02-01.

Conditions:
Wiskott-Aldrich syndrome (WAS). Also called: ALDRICH SYNDROME; IMMUNODEFICIENCY 2; Wiskott-aldrich syndrome, somatic; WISKOTT-ALDRICH SYNDROME 1. Identifiers: Orphanet 906, MedGen C0043194, MONDO:0010518, OMIM 301000.
Werner syndrome (WRN). Identifiers: Orphanet 902, MedGen C0043119, MONDO:0010196, OMIM 277700.

Allele frequency attached by ClinVar (database versions not stated): gnomAD 0.00418 and 0.00393; TOPMed 0.00429; 1000 Genomes Project 0.00479; ESP Exome Variant Server 0.00500; 1000 Genomes Project 30x 0.00531; gnomAD exomes 0.00036.
gnomAD v4.1: 1,125 of 1,613,080 alleles (0.07%); highest among the groups gnomAD compares: African/African-American, 1.4%; 10 homozygotes.

Submissions (10):

Labcorp Genetics (formerly Invitae), Labcorp
Classification: Benign for Werner syndrome. Last evaluated: 2026-02-01. Review status: criteria provided, single submitter. Criteria: Invitae Variant Classification Sherloc (09022015). Collection method: clinical testing. Allele origin: germline.

CeGaT Center for Human Genetics Tuebingen
Classification: Likely benign. Last evaluated: 2026-01-01. Review status: criteria provided, single submitter. Criteria: CeGaT Center For Human Genetics Tuebingen Variant Classification Criteria Version 2. Collection method: clinical testing. Allele origin: germline. Affected: yes. Observed: 1 variant allele.
Comment: WRN: BP4, BS1

KCCC/NGS Laboratory, Kuwait Cancer Control Center
Classification: Benign for Werner syndrome. Last evaluated: 2025-02-01. Review status: criteria provided, single submitter. Criteria: ACMG Guidelines, 2015. Collection method: clinical testing. Allele origin: germline. Affected: no.

Blueprint Genetics
Classification: Likely benign. Last evaluated: 2024-07-19. Review status: criteria provided, single submitter. Criteria: ACMG Guidelines, 2015. Collection method: clinical testing. Allele origin: germline.

KCCC/NGS Laboratory, Kuwait Cancer Control Center
Classification: Benign for Wiskott-Aldrich syndrome. Last evaluated: 2023-07-07. Review status: criteria provided, single submitter. Criteria: ACMG Guidelines, 2015. Collection method: clinical testing. Allele origin: germline. Affected: yes.

Genome-Nilou Lab
Classification: Benign for Werner syndrome. Last evaluated: 2021-12-05. Review status: criteria provided, single submitter. Criteria: ACMG Guidelines, 2015. Collection method: clinical testing. Allele origin: germline. Affected: no.

GeneDx
Classification: Likely benign. Last evaluated: 2021-04-20. Review status: criteria provided, single submitter. Criteria: GeneDx Variant Classification Process June 2021. Collection method: clinical testing. Allele origin: germline. Affected: yes.

Illumina Laboratory Services, Illumina
Classification: Likely benign for Werner syndrome. Last evaluated: 2018-01-12. Review status: criteria provided, single submitter. Criteria: ICSL Variant Classification Criteria 13 December 2019. Collection method: clinical testing. Allele origin: germline.
Comment: This variant was observed in the ICSL laboratory as part of a predisposition screen in an ostensibly healthy population. It had not been previously curated by ICSL or reported in the Human Gene Mutation Database (HGMD: prior to June 1st, 2018), and was therefore a candidate for classification through an automated scoring system. Utilizing variant allele frequency, disease prevalence and penetrance estimates, and inheritance mode, an automated score was calculated to assess if this variant is too frequent to cause the disease. Based on the score and internal cut-off values, a variant classified as likely benign is not then subjected to further curation. The score for this variant resulted in a classification of likely benign for this disease.

Breakthrough Genomics
Classification: Likely benign. Review status: criteria provided, single submitter. Criteria: ACMG Guidelines, 2015. Collection method: not provided. Allele origin: germline. Inheritance: Autosomal recessive inheritance. Affected: yes.

ITMI
No classification provided. Condition: AllHighlyPenetrant. Last evaluated: 2013-09-19. Review status: no classification provided. Collection method: reference population. Allele origin: germline. Not counted in ClinVar's aggregate classification.
Comment: Please see associated publication for description of ethnicities

Literature cited by the submitters: PubMed 24728327 (cited by ITMI).